The following is an entry in ClinVar:

ClinVar aggregate classification (germline): Uncertain significance (1 of 4 stars; one submission).

Conditions:
Hypertrophic cardiomyopathy. Also called: HYPERTROPHIC MYOCARDIOPATHY. Identifiers: Orphanet 217569, MedGen C0007194, MeSH D002312, MONDO:0005045, HP:0001639.

Submission:

Labcorp Genetics (formerly Invitae), Labcorp
Classification: Uncertain significance for Hypertrophic cardiomyopathy. Last evaluated: 2023-05-12. Review status: criteria provided, single submitter. Criteria: Invitae Variant Classification Sherloc (09022015). Collection method: clinical testing. Allele origin: germline.
Comment: An algorithm developed to predict the effect of missense changes on protein structure and function (PolyPhen-2) suggests that this variant is likely to be tolerated. This variant has not been reported in the literature in individuals affected with TPM1-related conditions. This variant is not present in population databases (gnomAD no frequency). This sequence change replaces serine, which is neutral and polar, with arginine, which is basic and polar, at codon 271 of the TPM1 protein (p.Ser271Arg). In summary, the available evidence is currently insufficient to determine the role of this variant in disease. Therefore, it has been classified as a Variant of Uncertain Significance.

NM_001018005.2(TPM1):c.813C>G (p.Ser271Arg)

Gene: TPM1 (tropomyosin 1; plus strand). Cytogenetic location: 15q22.2.
Variant type: single nucleotide variant.
Coding change: c.813C>G on transcript NM_001018005.2 (MANE Select); coding-DNA position 813, C replaced by G.
Protein change: p.Ser271Arg; replaces serine 271 with arginine.
Molecular consequence: missense variant. On other transcripts: 3 prime UTR variant (3), intron variant (18), non-coding transcript variant (7).
Genome position (GRCh38, 1-based): chr15:63,064,104, C>G. VCF-style: chr15-63064104-C-G. GRCh37 (hg19) VCF-style: chr15-63356303-C-G.
Other names: c.813C>G, p.Ser271Arg (NM_001407334.1, NM_001407335.1, NM_001407326.1 and 8 more transcripts); c.*1295C>G (NM_001407340.1, NM_001407325.1, NM_001407341.1); c.772+1459C>G (NM_001018007.2, NM_001407337.1, NM_001018006.2 and 8 more transcripts); c.664+1459C>G (NM_001330351.2, NM_001330344.2, NM_001018008.2 and 3 more transcripts); c.705C>G, p.Ser235Arg (NM_001407344.1, NM_001330346.2, NM_001365781.2 and 1 more transcripts); c.898+1459C>G (NM_001365778.1); c.939C>G, p.Ser313Arg (NM_001407322.1, NM_001407323.1, NM_001407324.1); short protein forms S235R, S313R, S271R.
Identifiers: ClinVar variation 2863296 (VCV002863296.3), dbSNP rs1313357866, ClinGen allele CA392725153.